The following is an entry in ClinVar:

NM_000023.4(SGCA):c.905T>C (p.Leu302Pro)

Gene: SGCA (sarcoglycan alpha; plus strand). Cytogenetic location: 17q21.33.
Variant type: single nucleotide variant.
Coding change: c.905T>C on transcript NM_000023.4 (MANE Select); coding-DNA position 905, T replaced by C.
Protein change: p.Leu302Pro; replaces leucine 302 with proline.
Molecular consequence: missense variant. On other transcripts: intron variant (1).
Genome position (GRCh38, 1-based): chr17:50,170,300, T>C. VCF-style: chr17-50170300-T-C. GRCh37 (hg19) VCF-style: chr17-48247661-T-C.
Other names: c.585-340T>C (NM_001135697.3); short protein forms L302P.
Identifiers: ClinVar variation 2167194 (VCV002167194.1), dbSNP rs760989961, ClinGen allele CA8643943.

ClinVar aggregate classification (germline): Uncertain significance (1 of 4 stars; one submission).

Conditions:
Autosomal recessive limb-girdle muscular dystrophy type 2D (LGMDR3). Also called: DUCHENNE-LIKE AUTOSOMAL RECESSIVE MUSCULAR DYSTROPHY, TYPE 2; ADHALINOPATHY, PRIMARY; MUSCULAR DYSTROPHY, LIMB-GIRDLE, AUTOSOMAL RECESSIVE 3. Identifiers: Orphanet 62, MedGen C2936332, MONDO:0011968, OMIM 608099. Disease mechanism: Affects gamma-sarcoglycan and also disrupts the integrity of the entire sarcoglycan complex..

Allele frequency attached by ClinVar (database versions not stated): gnomAD exomes below 0.00001; ExAC 0.00001; gnomAD 0.00001; TOPMed 0.00001.

Submission:

Labcorp Genetics (formerly Invitae), Labcorp
Classification: Uncertain significance for Autosomal recessive limb-girdle muscular dystrophy type 2D. Last evaluated: 2022-07-05. Review status: criteria provided, single submitter. Criteria: Invitae Variant Classification Sherloc (09022015). Collection method: clinical testing. Allele origin: germline.
Comment: This sequence change replaces leucine, which is neutral and non-polar, with proline, which is neutral and non-polar, at codon 302 of the SGCA protein (p.Leu302Pro). This variant is present in population databases (rs760989961, gnomAD 0.0009%). This variant has not been reported in the literature in individuals affected with SGCA-related conditions. Algorithms developed to predict the effect of missense changes on protein structure and function are either unavailable or do not agree on the potential impact of this missense change (SIFT: "Deleterious"; PolyPhen-2: "Probably Damaging"; Align-GVGD: "Class C0"). In summary, the available evidence is currently insufficient to determine the role of this variant in disease. Therefore, it has been classified as a Variant of Uncertain Significance.